The following is an entry in ClinVar:

ClinVar aggregate classification (germline): Uncertain significance. Review status: criteria provided, single submitter (1 of 4 stars). 2 submissions from 2 submitters: Uncertain significance (1). 1 of the submissions does not count toward it. Last evaluated 2024-02-04.

Conditions:
Cardiovascular phenotype. Identifiers: MedGen CN230736.
Dilated cardiomyopathy 1C (CMD1C). Also called: CARDIOMYOPATHY, DILATED, 1C, WITH OR WITHOUT LEFT VENTRICULAR NONCOMPACTION; Cardiomyopathy, dilated, 1C, with or without LVNC. Identifiers: Orphanet 154, Orphanet 54260, MedGen C1832244, MONDO:0011094, OMIM 601493.

Allele frequency attached by ClinVar (database versions not stated): gnomAD 0.00001.
gnomAD v4.1: 3 of 1,613,820 alleles (0.00019%); highest among the groups gnomAD compares: East Asian, 0.0045%; no homozygotes.

Submissions (2):

Ambry Genetics
Classification: Uncertain significance for Cardiovascular phenotype. Last evaluated: 2024-02-04. Review status: criteria provided, single submitter. Criteria: Ambry Variant Classification Scheme 2023. Collection method: clinical testing. Allele origin: germline.
Comment: The p.P716S variant (also known as c.2146C>T), located in coding exon 13 of the LDB3 gene, results from a C to T substitution at nucleotide position 2146. The proline at codon 716 is replaced by serine, an amino acid with similar properties. This amino acid position is conserved. In addition, this alteration is predicted to be deleterious by in silico analysis. Based on the available evidence, the clinical significance of this alteration remains unclear.

Cytogenetics- Mohapatra Lab, Banaras Hindu University
Classification: Pathogenic for Dilated cardiomyopathy 1C. Last evaluated: 2014-08-21. Review status: no assertion criteria provided. Collection method: case-control. Allele origin: unknown. Affected: yes. Observed: 1 variant allele. Not counted in ClinVar's aggregate classification.

NM_007078.3(LDB3):c.2146C>T (p.Pro716Ser)

Gene: LDB3 (LIM domain binding 3; plus strand). Cytogenetic location: 10q23.2.
Variant type: single nucleotide variant.
Coding change: c.2146C>T on transcript NM_007078.3 (MANE Select); coding-DNA position 2146, C replaced by T.
Protein change: p.Pro716Ser; replaces proline 716 with serine.
Molecular consequence: missense variant.
Genome position (GRCh38, 1-based): chr10:86,732,938, C>T. VCF-style: chr10-86732938-C-T. GRCh37 (hg19) VCF-style: chr10-88492695-C-T.
Other names: c.1816C>T, p.Pro606Ser (NM_001080114.2); c.2161C>T, p.Pro721Ser (NM_001171610.2); c.1957C>T, p.Pro653Ser (NM_001368064.1, NM_001368065.1); c.2005C>T, p.Pro669Ser (NM_001368066.1); c.2146C>T (NM_007078.2); short protein forms P606S, P653S, P669S, P716S, P721S.
Identifiers: ClinVar variation 997778 (VCV000997778.3), dbSNP rs1847527818, ClinGen allele CA377460389.